The following is an entry in ClinVar:

NM_021076.4(NEFH):c.1198_1205del (p.Ala400fs)

Gene: NEFH (neurofilament heavy chain; plus strand). Cytogenetic location: 22q12.2.
Variant type: Deletion.
Coding change: c.1198_1205del on transcript NM_021076.4 (MANE Select); coding-DNA positions 1198 to 1205, 8 bases deleted (GCCGCTTA; older notation c.1198_1205delGCCGCTTA).
Protein change: p.Ala400fs; shifts the reading frame from alanine 400.
Molecular consequence: frameshift variant.
Genome position (GRCh38, 1-based): chr22:29,485,837-29,485,844, GCCGCTTA deleted; deleting any 8 consecutive bases within chr22:29,485,835-29,485,844 gives the same sequence; the c. name uses the placement nearest the transcript's 3' end. VCF-style (leftmost placement, unchanged base first): chr22-29485834-ATAGCCGCT-A. GRCh37 (hg19) VCF-style: chr22-29881823-ATAGCCGCT-A.
Other names: short protein forms A400fs.
Identifiers: ClinVar variation 2085241 (VCV002085241.4), dbSNP rs2517974058, ClinGen allele CA2580099419.

ClinVar aggregate classification (germline): Uncertain significance (1 of 4 stars; one submission).

Submission:

Labcorp Genetics (formerly Invitae), Labcorp
Classification: Uncertain significance. Last evaluated: 2022-09-13. Review status: criteria provided, single submitter. Criteria: Invitae Variant Classification Sherloc (09022015). Collection method: clinical testing. Allele origin: germline.
Comment: This sequence change creates a premature translational stop signal (p.Ala400Glnfs*7) in the NEFH gene. While this is not anticipated to result in nonsense mediated decay, it is expected to disrupt the last 621 amino acid(s) of the NEFH protein. This variant is not present in population databases (gnomAD no frequency). This variant has not been reported in the literature in individuals affected with NEFH-related conditions. Experimental studies and prediction algorithms are not available or were not evaluated, and the functional significance of this variant is currently unknown. In summary, the available evidence is currently insufficient to determine the role of this variant in disease. Therefore, it has been classified as a Variant of Uncertain Significance.